The following is an entry in ClinVar:

NM_000257.4(MYH7):c.2424-8C>A

Genes: MYH7 (myosin heavy chain 7; minus strand), LOC126861898 (BRD4-independent group 4 enhancer GRCh37_chr14:23893609-23894808; plus strand). Cytogenetic location: 14q11.2.
Variant type: single nucleotide variant.
Coding change: c.2424-8C>A on transcript NM_000257.4 (MANE Select); 8 bases into the intron before coding-DNA position 2424, C replaced by A.
Molecular consequence: intron variant.
Genome position (GRCh38, 1-based): chr14:23,425,032, G>T on the plus strand (C>A on the coding strand, the complement: MYH7 is on the minus strand). VCF-style: chr14-23425032-G-T. GRCh37 (hg19) VCF-style: chr14-23894241-G-T.
Identifiers: ClinVar variation 1429964 (VCV001429964.11), dbSNP rs767171610, ClinGen allele CA032881.

ClinVar aggregate classification (germline): Conflicting classifications of pathogenicity. Review status: criteria provided, conflicting classifications (1 of 4 stars). 3 submissions from 3 submitters: Uncertain significance (1); Likely benign (2). Last evaluated 2025-09-11.

Conditions:
Cardiomyopathy (CMYO). Also called: Cardiomyopathies. Identifiers: Orphanet 167848, MedGen C0878544, MONDO:0004994, HP:0001638. Inheritance: Various modes of inheritance.
Hypertrophic cardiomyopathy. Also called: HYPERTROPHIC MYOCARDIOPATHY. Identifiers: Orphanet 217569, MedGen C0007194, MeSH D002312, MONDO:0005045, HP:0001639.

Allele frequency attached by ClinVar (database versions not stated): ExAC 0.00002.
gnomAD v4.1: 3 of 1,614,148 alleles (0.00019%); highest among the groups gnomAD compares: Non-Finnish European, 0.00025%; no homozygotes.

Submissions (3):

Color Diagnostics, LLC DBA Color Health
Classification: Likely benign for Cardiomyopathy. Last evaluated: 2025-09-11. Review status: criteria provided, single submitter. Criteria: ACMG Guidelines, 2015. Collection method: clinical testing. Allele origin: germline.

Labcorp Genetics (formerly Invitae), Labcorp
Classification: Likely benign for Hypertrophic cardiomyopathy. Last evaluated: 2024-12-10. Review status: criteria provided, single submitter. Criteria: Invitae Variant Classification Sherloc (09022015). Collection method: clinical testing. Allele origin: germline.

All of Us Research Program, National Institutes of Health
Classification: Uncertain significance for Cardiomyopathy. Last evaluated: 2023-03-09. Review status: criteria provided, single submitter. Criteria: ACMG Guidelines, 2015. Collection method: clinical testing. Allele origin: germline. Inheritance: Autosomal dominant inheritance. Observed: 1 variant allele, 1 heterozygote.
Comment: This variant causes a C to A nucleotide substitution at the -8 position of intron 21 of the MYH7 gene. Splice site prediction tools are inconclusive regarding the impact of this variant on RNA splicing. To our knowledge, functional studies have not been reported for this variant. This variant has not been reported in individuals affected with cardiovascular disorders in the literature. This variant has been identified in 2/251300 chromosomes in the general population by the Genome Aggregation Database (gnomAD). The available evidence is insufficient to determine the role of this variant in disease conclusively. Therefore, this variant is classified as a Variant of Uncertain Significance.

This study involves interpretation of variants in research participants for the purpose of population health screening. Participant phenotype was not available at the time of variant classification. Additional details can be found in publication PMID: 35346344, PMCID: PMC8962531